The following is an entry in ClinVar:

ClinVar aggregate classification (germline): Uncertain significance (1 of 4 stars; one submission).

Submission:

GeneDx
Classification: Uncertain significance. Last evaluated: 2026-02-04. Review status: criteria provided, single submitter. Criteria: GeneDx Variant Classification Process June 2021. Collection method: clinical testing. Allele origin: germline.
Comment: Not observed at significant frequency in large population cohorts (gnomAD); In silico analysis supports that this missense variant has a deleterious effect on protein structure/function; Has not been previously published as pathogenic or benign to our knowledge

NM_001365088.1(SLC12A6):c.1132G>A (p.Gly378Ser)

Gene: SLC12A6 (solute carrier family 12 member 6; minus strand). Cytogenetic location: 15q14.
Variant type: single nucleotide variant.
Coding change: c.1132G>A on transcript NM_001365088.1 (MANE Select); coding-DNA position 1132, G replaced by A.
Protein change: p.Gly378Ser; replaces glycine 378 with serine.
Molecular consequence: missense variant.
Genome position (GRCh38, 1-based): chr15:34,252,371, C>T on the plus strand (G>A on the coding strand, the complement: SLC12A6 is on the minus strand). VCF-style: chr15-34252371-C-T. GRCh37 (hg19) VCF-style: chr15-34544572-C-T.
Other names: c.955G>A, p.Gly319Ser (NM_001042494.2, NM_001042495.2); c.1105G>A, p.Gly369Ser (NM_001042496.2); c.1087G>A, p.Gly363Ser (NM_001042497.2); c.979G>A, p.Gly327Ser (NM_005135.2); c.1132G>A, p.Gly378Ser (NM_133647.2); short protein forms G319S, G327S, G363S, G369S, G378S.
Identifiers: ClinVar variation 4976025 (VCV004976025.1).